The following is an entry in ClinVar:

NM_002691.4(POLD1):c.1795G>A (p.Ala599Thr)

Gene: POLD1 (DNA polymerase delta 1, catalytic subunit; plus strand). Cytogenetic location: 19q13.33.
Variant type: single nucleotide variant.
Coding change: c.1795G>A on transcript NM_002691.4 (MANE Select); coding-DNA position 1795, G replaced by A.
Protein change: p.Ala599Thr; replaces alanine 599 with threonine.
Molecular consequence: missense variant. On other transcripts: non-coding transcript variant (1).
Genome position (GRCh38, 1-based): chr19:50,408,804, G>A. VCF-style: chr19-50408804-G-A. GRCh37 (hg19) VCF-style: chr19-50912061-G-A.
Other names: c.1795G>A, p.Ala599Thr (NM_001256849.1); c.1873G>A, p.Ala625Thr (NM_001308632.1); c.1795G>A (NM_002691.2); short protein forms A599T, A625T.
Identifiers: ClinVar variation 220886 (VCV000220886.34), dbSNP rs149569984, ClinGen allele CA348064.

ClinVar aggregate classification (germline): Conflicting classifications of pathogenicity. Review status: criteria provided, conflicting classifications (1 of 4 stars). 12 submissions from 12 submitters: Uncertain significance (6); Likely benign (4). 2 of the submissions do not count toward it. Last evaluated 2026-01-31.

Conditions:
POLD1-related polyposis and colorectal cancer syndrome (CRCS10). Also called: Colorectal cancer 10; COLORECTAL CANCER, SUSCEPTIBILITY TO, ON CHROMOSOME 19q; Colorectal cancer, susceptibility to, 10. Identifiers: Orphanet 220460, MedGen C2675481, MONDO:0012953, OMIM 612591.
Polymerase proofreading-related adenomatous polyposis. Also called: Polymerase proofreading associated polyposis; Polymerase proofreading–associated polyposis (PPAP). Identifiers: Orphanet 447877, MedGen C5202613, MONDO:0018653.
POLD1-related disorder. Also called: POLD1-related condition; POLD1-related disorders.
Hereditary cancer-predisposing syndrome. Also called: Tumor predisposition; Hereditary Cancer Syndrome; Neoplastic Syndromes, Hereditary; Hereditary neoplastic syndrome. Identifiers: Orphanet 140162, MedGen C0027672, MeSH D009386, MONDO:0015356.

Allele frequency attached by ClinVar (database versions not stated): gnomAD 0.00026 and 0.00027; gnomAD exomes 0.00026 and 0.00033; 1000 Genomes Project 30x 0.00031; TOPMed 0.00034; ExAC 0.00036; 1000 Genomes Project 0.00040; ESP Exome Variant Server 0.00054.
gnomAD v4.1: 420 of 1,613,792 alleles (0.026%); highest among the groups gnomAD compares: African/African-American, 0.059%; no homozygotes.

Submissions (12):

Labcorp Genetics (formerly Invitae), Labcorp
Classification: Likely benign for POLD1-related polyposis and colorectal cancer syndrome. Last evaluated: 2026-01-31. Review status: criteria provided, single submitter. Criteria: Invitae Variant Classification Sherloc (09022015). Collection method: clinical testing. Allele origin: germline.

Center for Genomic Medicine, Rigshospitalet, Copenhagen University Hospital
Classification: Uncertain significance. Last evaluated: 2025-03-04. Review status: criteria provided, single submitter. Criteria: ACMG Guidelines, 2015. Collection method: clinical testing. Allele origin: germline.

Blueprint Genetics
Classification: Uncertain significance. Last evaluated: 2024-11-25. Review status: criteria provided, single submitter. Criteria: ACMG Guidelines, 2015. Collection method: clinical testing. Allele origin: germline.

Molecular Pathology, Peter Maccallum Cancer Centre
Classification: Uncertain significance for POLD1-related polyposis and colorectal cancer syndrome. Last evaluated: 2024-02-12. Review status: criteria provided, single submitter. Criteria: ACMG Guidelines, 2015. Collection method: clinical testing. Allele origin: germline. Inheritance: Autosomal dominant inheritance.

Department of Pathology and Laboratory Medicine, Sinai Health System
Classification: Uncertain significance for Polymerase proofreading-related adenomatous polyposis. Last evaluated: 2023-10-02. Review status: criteria provided, single submitter. Criteria: ACMG Guidelines, 2015. Collection method: clinical testing. Allele origin: germline. Affected: yes.

Ambry Genetics
Classification: Likely benign for Hereditary cancer-predisposing syndrome. Last evaluated: 2022-09-03. Review status: criteria provided, single submitter. Criteria: Ambry Variant Classification Scheme 2023. Collection method: clinical testing. Allele origin: germline.

GeneDx
Classification: Uncertain significance. Last evaluated: 2021-03-31. Review status: criteria provided, single submitter. Criteria: GeneDx Variant Classification Process June 2021. Collection method: clinical testing. Allele origin: germline. Affected: yes.
Comment: Has not been previously published as pathogenic or benign to our knowledge; In silico analysis supports that this missense variant has a deleterious effect on protein structure/function; This variant is associated with the following publications: (PMID: 24705251)

Sema4
Classification: Likely benign for Hereditary cancer-predisposing syndrome. Last evaluated: 2021-03-01. Review status: criteria provided, single submitter. Criteria: Sema4 Curation Guidelines. Collection method: curation. Allele origin: germline.

Quest Diagnostics Nichols Institute San Juan Capistrano
Classification: Likely benign. Last evaluated: 2020-02-24. Review status: criteria provided, single submitter. Criteria: Quest Diagnostics criteria. Collection method: clinical testing. Allele origin: unknown.

Mendelics
Classification: Uncertain significance for POLD1-related polyposis and colorectal cancer syndrome. Last evaluated: 2019-05-28. Review status: criteria provided, single submitter. Criteria: Mendelics Assertion Criteria 2017. Collection method: clinical testing. Allele origin: unknown.

PreventionGenetics, part of Exact Sciences
Classification: Likely benign for POLD1-related condition. Last evaluated: 2022-12-24. Review status: no assertion criteria provided. Collection method: clinical testing. Allele origin: germline. Not counted in ClinVar's aggregate classification.
Comment: This variant is classified as likely benign based on ACMG/AMP sequence variant interpretation guidelines (Richards et al. 2015 PMID: 25741868, with internal and published modifications).

True Health Diagnostics
Classification: Uncertain significance for Hereditary cancer-predisposing syndrome. Last evaluated: 2018-02-20. Review status: no assertion criteria provided. Collection method: clinical testing. Allele origin: germline. Not counted in ClinVar's aggregate classification.